The following is an entry in ClinVar:

NM_024422.6(DSC2):c.1570A>G (p.Thr524Ala)

Gene: DSC2 (desmocollin 2; minus strand). Cytogenetic location: 18q12.1.
Variant type: single nucleotide variant.
Coding change: c.1570A>G on transcript NM_024422.6 (MANE Select); coding-DNA position 1570, A replaced by G.
Protein change: p.Thr524Ala; replaces threonine 524 with alanine.
Molecular consequence: missense variant.
Genome position (GRCh38, 1-based): chr18:31,079,940, T>C on the plus strand (A>G on the coding strand, the complement: DSC2 is on the minus strand). VCF-style: chr18-31079940-T-C. GRCh37 (hg19) VCF-style: chr18-28659906-T-C.
Other names: c.1141A>G, p.Thr381Ala (NM_001406506.1, NM_001406507.1); c.1570A>G, p.Thr524Ala (NM_004949.5); short protein forms T381A, T524A.
Identifiers: ClinVar variation 4757352 (VCV004757352.1).

ClinVar aggregate classification (germline): Uncertain significance (1 of 4 stars; one submission).

Conditions:
Cardiomyopathy (CMYO). Also called: Cardiomyopathies. Identifiers: Orphanet 167848, MedGen C0878544, MONDO:0004994, HP:0001638. Inheritance: Various modes of inheritance.

Submission:

Color Diagnostics, LLC DBA Color Health
Classification: Uncertain significance for Cardiomyopathy. Last evaluated: 2025-06-29. Review status: criteria provided, single submitter. Criteria: ACMG Guidelines, 2015. Collection method: clinical testing. Allele origin: germline.
Comment: This missense variant replaces threonine with alanine at codon 524 of the DSC2 protein. Computational prediction suggests that this variant may not impact protein structure and function. To our knowledge, functional studies have not been reported for this variant. This variant has not been reported in individuals affected with DSC2-related disorders in the literature. This variant has not been identified in the general population by the Genome Aggregation Database (gnomAD). The available evidence is insufficient to determine the role of this variant in disease conclusively. Therefore, this variant is classified as a Variant of Uncertain Significance.